The following is an entry in ClinVar:

ClinVar aggregate classification (germline): Uncertain significance (1 of 4 stars; one submission).

Conditions:
RASopathy. Also called: rasopathies; Noonan spectrum disorder. Identifiers: Orphanet 536391, MedGen C5555857, MONDO:0021060.

Submission:

Labcorp Genetics (formerly Invitae), Labcorp
Classification: Uncertain significance for RASopathy. Last evaluated: 2022-07-09. Review status: criteria provided, single submitter. Criteria: Invitae Variant Classification Sherloc (09022015). Collection method: clinical testing. Allele origin: germline.
Comment: In summary, the available evidence is currently insufficient to determine the role of this variant in disease. Therefore, it has been classified as a Variant of Uncertain Significance. Algorithms developed to predict the effect of missense changes on protein structure and function (SIFT, PolyPhen-2, Align-GVGD) all suggest that this variant is likely to be tolerated. This variant has not been reported in the literature in individuals affected with SOS1-related conditions. This variant is not present in population databases (gnomAD no frequency). This sequence change replaces proline, which is neutral and non-polar, with serine, which is neutral and polar, at codon 478 of the SOS1 protein (p.Pro478Ser).

NM_005633.4(SOS1):c.1432C>T (p.Pro478Ser)

Gene: SOS1 (SOS Ras/Rac guanine nucleotide exchange factor 1; minus strand). Cytogenetic location: 2p22.1.
Variant type: single nucleotide variant.
Coding change: c.1432C>T on transcript NM_005633.4 (MANE Select); coding-DNA position 1432, C replaced by T.
Protein change: p.Pro478Ser; replaces proline 478 with serine.
Molecular consequence: missense variant.
Genome position (GRCh38, 1-based): chr2:39,022,996, G>A on the plus strand (C>T on the coding strand, the complement: SOS1 is on the minus strand). VCF-style: chr2-39022996-G-A. GRCh37 (hg19) VCF-style: chr2-39250137-G-A.
Other names: c.1411C>T, p.Pro471Ser (NM_001382394.1); c.1432C>T, p.Pro478Ser (NM_001382395.1); short protein forms P471S, P478S.
Identifiers: ClinVar variation 2097848 (VCV002097848.4), dbSNP rs769098661, ClinGen allele CA346366183.